The following is an entry in ClinVar:

ClinVar aggregate classification (germline): Likely benign (1 of 4 stars; one submission).

Submission:

CeGaT Center for Human Genetics Tuebingen
Classification: Likely benign. Last evaluated: 2026-09-01. Review status: criteria provided, single submitter. Criteria: CeGaT Center For Human Genetics Tuebingen Variant Classification Criteria Version 2. Collection method: clinical testing. Allele origin: germline. Affected: yes. Observed: 1 variant allele.
Comment: SGSM3: BP4, BP7

NM_015705.6(SGSM3):c.1008G>A (p.Thr336=)

Gene: SGSM3 (small G protein signaling modulator 3; plus strand). Cytogenetic location: 22q13.1.
Variant type: single nucleotide variant.
Coding change: c.1008G>A on transcript NM_015705.6 (MANE Select); coding-DNA position 1008, G replaced by A.
Protein change: p.Thr336=; no amino-acid change (threonine 336 retained).
Molecular consequence: synonymous variant. On other transcripts: non-coding transcript variant (4).
Genome position (GRCh38, 1-based): chr22:40,406,485, G>A. VCF-style: chr22-40406485-G-A. GRCh37 (hg19) VCF-style: chr22-40802489-G-A.
Other names: c.819G>A, p.Thr273= (NM_001301849.2, NM_001350042.2, NM_001350044.2 and 1 more transcripts); c.1008G>A, p.Thr336= (NM_001350039.2, NM_001350040.2, NM_001350041.2); c.807G>A, p.Thr269= (NM_001350043.2, NM_001350046.2, NM_001350047.2); c.510G>A, p.Thr170= (NM_001350048.2).
Identifiers: ClinVar variation 5040973 (VCV005040973.1).